The following is an entry in ClinVar:

NM_032578.4(MYPN):c.526C>T (p.Arg176Cys)

Gene: MYPN (myopalladin; plus strand). Cytogenetic location: 10q21.3.
Variant type: single nucleotide variant.
Coding change: c.526C>T on transcript NM_032578.4 (MANE Select); coding-DNA position 526, C replaced by T.
Protein change: p.Arg176Cys; replaces arginine 176 with cysteine.
Molecular consequence: missense variant. On other transcripts: 5 prime UTR variant (1), non-coding transcript variant (1).
Genome position (GRCh38, 1-based): chr10:68,121,964, C>T. VCF-style: chr10-68121964-C-T. GRCh37 (hg19) VCF-style: chr10-69881721-C-T.
Other names: c.526C>T, p.Arg176Cys (NM_001256267.2); c.-597C>T (NM_001256268.2); short protein forms R176C.
Identifiers: ClinVar variation 843637 (VCV000843637.5), dbSNP rs773154410, ClinGen allele CA5522286.

ClinVar aggregate classification (germline): Uncertain significance (1 of 4 stars; one submission).

Conditions:
Dilated cardiomyopathy 1KK (CMD1KK). Identifiers: Orphanet 154, Orphanet 75249, MedGen C3714995, MONDO:0014100, OMIM 615248.

Allele frequency attached by ClinVar (database versions not stated): gnomAD exomes 0.00001 and 0.00002; ExAC 0.00002.
gnomAD v4.1: 6 of 1,614,182 alleles (0.00037%); highest among the groups gnomAD compares: Admixed American, 0.0067%; no homozygotes.

Submission:

Labcorp Genetics (formerly Invitae), Labcorp
Classification: Uncertain significance for Dilated cardiomyopathy 1KK. Last evaluated: 2022-10-05. Review status: criteria provided, single submitter. Criteria: Invitae Variant Classification Sherloc (09022015). Collection method: clinical testing. Allele origin: germline.
Comment: This sequence change replaces arginine, which is basic and polar, with cysteine, which is neutral and slightly polar, at codon 176 of the MYPN protein (p.Arg176Cys). This variant is present in population databases (rs773154410, gnomAD 0.009%). This variant has not been reported in the literature in individuals affected with MYPN-related conditions. ClinVar contains an entry for this variant (Variation ID: 843637). Algorithms developed to predict the effect of missense changes on protein structure and function are either unavailable or do not agree on the potential impact of this missense change (SIFT: "Deleterious"; PolyPhen-2: "Possibly Damaging"; Align-GVGD: "Class C15"). In summary, the available evidence is currently insufficient to determine the role of this variant in disease. Therefore, it has been classified as a Variant of Uncertain Significance.